The following is an entry in ClinVar:

ClinVar aggregate classification (germline): Uncertain significance. Review status: criteria provided, multiple submitters, no conflicts (2 of 4 stars). 2 submissions from 2 submitters: Uncertain significance (2). Last evaluated 2025-08-25.

Conditions:
Primary ciliary dyskinesia 30. Also called: CILIARY DYSKINESIA, PRIMARY, 30, WITH OR WITHOUT SITUS INVERSUS. Identifiers: Orphanet 244, MedGen C4015016, MONDO:0014465, OMIM 616037.
Inborn genetic diseases. Identifiers: MedGen C0950123, MeSH D030342.

Allele frequency attached by ClinVar (database versions not stated): gnomAD 0.00003; gnomAD exomes 0.00003 and 0.00002; TOPMed 0.00003; ExAC 0.00001.
gnomAD v4.1: 36 of 1,607,668 alleles (0.0022%); highest among the groups gnomAD compares: Non-Finnish European, 0.0031%; no homozygotes.

Submissions (2):

Ambry Genetics
Classification: Uncertain significance for Inborn genetic diseases. Last evaluated: 2025-08-25. Review status: criteria provided, single submitter. Criteria: Ambry Variant Classification Scheme 2023. Collection method: clinical testing. Allele origin: germline.

Labcorp Genetics (formerly Invitae), Labcorp
Classification: Uncertain significance for Primary ciliary dyskinesia 30. Last evaluated: 2021-11-11. Review status: criteria provided, single submitter. Criteria: Invitae Variant Classification Sherloc (09022015). Collection method: clinical testing. Allele origin: germline.
Comment: This sequence change replaces threonine, which is neutral and polar, with alanine, which is neutral and non-polar, at codon 371 of the CCDC151 protein (p.Thr371Ala). This variant is present in population databases (rs546138389, gnomAD 0.008%). This variant has not been reported in the literature in individuals affected with CCDC151-related conditions. ClinVar contains an entry for this variant (Variation ID: 582033). Algorithms developed to predict the effect of missense changes on protein structure and function (SIFT, PolyPhen-2, Align-GVGD) all suggest that this variant is likely to be tolerated. In summary, the available evidence is currently insufficient to determine the role of this variant in disease. Therefore, it has been classified as a Variant of Uncertain Significance.

NM_145045.5(ODAD3):c.1111A>G (p.Thr371Ala)

Gene: ODAD3 (outer dynein arm docking complex subunit 3; minus strand). Cytogenetic location: 19p13.2.
Variant type: single nucleotide variant.
Coding change: c.1111A>G on transcript NM_145045.5 (MANE Select); coding-DNA position 1111, A replaced by G.
Protein change: p.Thr371Ala; replaces threonine 371 with alanine.
Molecular consequence: missense variant.
Genome position (GRCh38, 1-based): chr19:11,423,882, T>C on the plus strand (A>G on the coding strand, the complement: ODAD3 is on the minus strand). VCF-style: chr19-11423882-T-C. GRCh37 (hg19) VCF-style: chr19-11534551-T-C.
Other names: c.949A>G, p.Thr317Ala (NM_001302453.1); c.931A>G, p.Thr311Ala (NM_001302454.2); short protein forms T371A, T311A, T317A.
Identifiers: ClinVar variation 582033 (VCV000582033.5), dbSNP rs546138389, ClinGen allele CA9212140.